The following is an entry in ClinVar:

ClinVar aggregate classification (germline): Uncertain significance (1 of 4 stars; one submission).

Allele frequency attached by ClinVar (database versions not stated): gnomAD 0.00001; gnomAD exomes 0.00001.
gnomAD v4.1: 8 of 1,613,800 alleles (0.0005%); highest among the groups gnomAD compares: Non-Finnish European, 0.00068%; no homozygotes.

Submission:

Labcorp Genetics (formerly Invitae), Labcorp
Classification: Uncertain significance. Last evaluated: 2023-06-20. Review status: criteria provided, single submitter. Criteria: Invitae Variant Classification Sherloc (09022015). Collection method: clinical testing. Allele origin: germline.
Comment: This variant has not been reported in the literature in individuals affected with CTNNB1-related conditions. This sequence change replaces tyrosine, which is neutral and polar, with cysteine, which is neutral and slightly polar, at codon 716 of the CTNNB1 protein (p.Tyr716Cys). This variant is not present in population databases (gnomAD no frequency). Advanced modeling of protein sequence and biophysical properties (such as structural, functional, and spatial information, amino acid conservation, physicochemical variation, residue mobility, and thermodynamic stability) performed at Invitae indicates that this missense variant is not expected to disrupt CTNNB1 protein function. In summary, the available evidence is currently insufficient to determine the role of this variant in disease. Therefore, it has been classified as a Variant of Uncertain Significance.

NM_001904.4(CTNNB1):c.2147A>G (p.Tyr716Cys)

Gene: CTNNB1 (catenin beta 1; plus strand). Cytogenetic location: 3p22.1.
Variant type: single nucleotide variant.
Coding change: c.2147A>G on transcript NM_001904.4 (MANE Select); coding-DNA position 2147, A replaced by G.
Protein change: p.Tyr716Cys; replaces tyrosine 716 with cysteine.
Molecular consequence: missense variant.
Genome position (GRCh38, 1-based): chr3:41,239,143, A>G. VCF-style: chr3-41239143-A-G. GRCh37 (hg19) VCF-style: chr3-41280634-A-G.
Other names: c.2147A>G, p.Tyr716Cys (NM_001098209.2, NM_001098210.2); c.2126A>G, p.Tyr709Cys (NM_001330729.2); short protein forms Y716C, Y709C.
Identifiers: ClinVar variation 2819531 (VCV002819531.3), dbSNP rs1248210231, ClinGen allele CA352237267.